The following is an entry in ClinVar:

NM_014845.6(FIG4):c.1905G>A (p.Trp635Ter)

Gene: FIG4 (FIG4 phosphoinositide 5-phosphatase; plus strand). Cytogenetic location: 6q21.
Variant type: single nucleotide variant.
Coding change: c.1905G>A on transcript NM_014845.6 (MANE Select); coding-DNA position 1905, G replaced by A.
Protein change: p.Trp635Ter; replaces tryptophan 635 with a stop codon.
Molecular consequence: nonsense.
Genome position (GRCh38, 1-based): chr6:109,784,985, G>A. VCF-style: chr6-109784985-G-A. GRCh37 (hg19) VCF-style: chr6-110106188-G-A.
Other names: short protein forms W635*.
Identifiers: ClinVar variation 3000360 (VCV003000360.3), dbSNP rs773462879, ClinGen allele CA3956226.

ClinVar aggregate classification (germline): Pathogenic (1 of 4 stars; one submission).

Conditions:
Charcot-Marie-Tooth disease type 4. Also called: Charcot-Marie-Tooth disease, type IV; Charcot-Marie-Tooth, Type 4. Identifiers: Orphanet 64749, MedGen C4082197, MONDO:0018995.

Allele frequency attached by ClinVar (database versions not stated): gnomAD exomes below 0.00001; ExAC 0.00002; TOPMed 0.00003.
gnomAD v4.1: 6 of 1,555,756 alleles (0.00039%); highest among the groups gnomAD compares: Admixed American, 0.01%; no homozygotes.

Submission:

Labcorp Genetics (formerly Invitae), Labcorp
Classification: Pathogenic for Charcot-Marie-Tooth disease type 4. Last evaluated: 2023-05-22. Review status: criteria provided, single submitter. Criteria: Invitae Variant Classification Sherloc (09022015). Collection method: clinical testing. Allele origin: germline.
Comment: For these reasons, this variant has been classified as Pathogenic. This variant has not been reported in the literature in individuals affected with FIG4-related conditions. This variant is present in population databases (rs773462879, gnomAD 0.02%). This sequence change creates a premature translational stop signal (p.Trp635*) in the FIG4 gene. It is expected to result in an absent or disrupted protein product. Loss-of-function variants in FIG4 are known to be pathogenic (PMID: 23623387, 30740813).

Literature cited by the submitters: PubMed 23623387; PubMed 30740813.